The following is an entry in ClinVar:

NM_001080517.3(SETD5):c.2533A>C (p.Thr845Pro)

Gene: SETD5 (SET domain containing 5; plus strand). Cytogenetic location: 3p25.3.
Variant type: single nucleotide variant.
Coding change: c.2533A>C on transcript NM_001080517.3 (MANE Select); coding-DNA position 2533, A replaced by C.
Protein change: p.Thr845Pro; replaces threonine 845 with proline.
Molecular consequence: missense variant.
Genome position (GRCh38, 1-based): chr3:9,464,481, A>C. VCF-style: chr3-9464481-A-C. GRCh37 (hg19) VCF-style: chr3-9506165-A-C.
Other names: c.2239A>C, p.Thr747Pro (NM_001292043.2, NM_001349451.2); short protein forms T747P, T845P.
Identifiers: ClinVar variation 1721967 (VCV001721967.5), dbSNP rs2473597745, ClinGen allele CA351707615.

ClinVar aggregate classification (germline): Uncertain significance (1 of 4 stars; one submission).

Submission:

Labcorp Genetics (formerly Invitae), Labcorp
Classification: Uncertain significance. Last evaluated: 2022-10-20. Review status: criteria provided, single submitter. Criteria: Invitae Variant Classification Sherloc (09022015). Collection method: clinical testing. Allele origin: germline.
Comment: In summary, the available evidence is currently insufficient to determine the role of this variant in disease. Therefore, it has been classified as a Variant of Uncertain Significance. Advanced modeling of protein sequence and biophysical properties (such as structural, functional, and spatial information, amino acid conservation, physicochemical variation, residue mobility, and thermodynamic stability) performed at Invitae indicates that this missense variant is not expected to disrupt SETD5 protein function. This variant has not been reported in the literature in individuals affected with SETD5-related conditions. This variant is not present in population databases (gnomAD no frequency). This sequence change replaces threonine, which is neutral and polar, with proline, which is neutral and non-polar, at codon 845 of the SETD5 protein (p.Thr845Pro).